The following is an entry in ClinVar:

ClinVar aggregate classification (germline): Pathogenic/Likely pathogenic. Review status: criteria provided, multiple submitters, no conflicts (2 of 4 stars). 11 submissions from 11 submitters: Pathogenic (8); Likely pathogenic (1). 2 of the submissions do not count toward it. Last evaluated 2025-09-29.

Conditions:
PEX10-related disorder. Also called: PEX10-related condition.
Zellweger spectrum disorders (ZS). Also called: Zellweger Spectrum Disorder; Zellweger Spectrum; Zellweger syndrome; Zellweger Spectrum Disorder (ZSD). Identifiers: Orphanet 912, MedGen C0043459, MONDO:0019609.
Peroxisome biogenesis disorder 6A (Zellweger). Also called: Peroxisome biogenesis disorder 6A. Identifiers: Orphanet 912, MedGen C3553947, MONDO:0013936, OMIM 614870.
Peroxisome biogenesis disorder 6B (PBD6B). Identifiers: Orphanet 44, MedGen C3553948, MONDO:0013937, OMIM 614871.
Peroxisome biogenesis disorder. Identifiers: Orphanet 79189, MedGen C1832200, MONDO:0019234. Disease mechanism: loss of function.
Peroxisome biogenesis disorder, complementation group 7 (CG7). Also called: Peroxisome biogenesis disorder, complementation group B. Identifiers: MedGen C1864399.

Allele frequency attached by ClinVar (database versions not stated): gnomAD 0.00002; TOPMed 0.00002; ExAC 0.00001; gnomAD exomes 0.00004 and 0.00002.
gnomAD v4.1: 53 of 1,612,778 alleles (0.0033%); highest among the groups gnomAD compares: South Asian, 0.0077%; no homozygotes.

Submissions (12):

Natera, Inc.
Classification: Pathogenic for Zellweger syndrome. Last evaluated: 2025-09-29. Review status: criteria provided, single submitter. Criteria: Natera Variant Classification Schema (03/2026). Collection method: clinical testing. Allele origin: germline.
Comment: The c.600+1G>A variant in PEX10 is a canonical splice donor site variant predicted to affect pre-mRNA splicing, which may result in an abnormal transcript and altered protein product. This variant is expected to result in nonsense mediated decay, truncation, or a dysfunctional protein product. This variant is rare in the general population with a frequency below the threshold expected for the associated phenotype(s). This variant has been observed in one or more individuals affected with the associated recessive disease, as either homozygous or compound heterozygous with a second variant (PMID: 21031596). Given the available evidence, this variant is classified as Pathogenic.

PreventionGenetics, part of Exact Sciences
Classification: Pathogenic for PEX10-related condition. Last evaluated: 2025-09-23. Review status: criteria provided, single submitter. Criteria: ACMG Guidelines, 2015. Collection method: clinical testing. Allele origin: germline.
Comment: The PEX10 c.600+1G>A variant is predicted to disrupt the GT donor site and interfere with normal splicing. This variant has been reported in the homozygous state in an individual with Zellweger syndrome (Patient: PBD100, Warren et al. 1998. PubMed ID: 9683594). The functional study has shown that this variant results in skipping of exon 3 (Warren et al. 1998. PubMed ID: 9683594). This variant is reported in 0.0085% of alleles in individuals of Latino descent in gnomAD. Variants that disrupt the consensus splice donor site in PEX10 are expected to be pathogenic. This variant is interpreted as pathogenic.

Labcorp Genetics (formerly Invitae), Labcorp
Classification: Pathogenic for Peroxisome biogenesis disorder, complementation group 7. Last evaluated: 2025-07-29. Review status: criteria provided, single submitter. Criteria: Invitae Variant Classification Sherloc (09022015). Collection method: clinical testing. Allele origin: germline.
Comment: This sequence change affects a donor splice site in intron 3 of the PEX10 gene. RNA analysis indicates that disruption of this splice site induces altered splicing and may result in an absent or altered protein product. This variant is present in population databases (rs267608183, gnomAD 0.009%). Disruption of this splice site has been observed in individual(s) with Zellweger syndrome (PMID: 9683594). ClinVar contains an entry for this variant (Variation ID: 6770). Studies have shown that disruption of this splice site results in skipping of exon 3, and produces a non-functional protein and/or introduces a premature termination codon (PMID: 9683594). For these reasons, this variant has been classified as Pathogenic.

Fulgent Genetics
Classification: Pathogenic for Peroxisome biogenesis disorder 6A (Zellweger); Peroxisome biogenesis disorder 6B. Last evaluated: 2024-04-13. Review status: criteria provided, single submitter. Criteria: ACMG Guidelines, 2015. Collection method: clinical testing. Allele origin: germline.

Baylor Genetics
Classification: Pathogenic for Peroxisome biogenesis disorder 6A (Zellweger). Last evaluated: 2024-02-27. Review status: criteria provided, single submitter. Criteria: ACMG Guidelines, 2015. Collection method: clinical testing. Allele origin: unknown.

Blueprint Genetics
Classification: Likely pathogenic for PEX10-related disorders. Last evaluated: 2022-10-28. Review status: criteria provided, single submitter. Criteria: ACMG Guidelines, 2015. Collection method: clinical testing. Allele origin: germline. Affected: yes. Observed: 5 variant alleles.

Women's Health and Genetics/Laboratory Corporation of America, LabCorp
Classification: Pathogenic for Peroxisome biogenesis disorder. Last evaluated: 2022-06-09. Review status: criteria provided, single submitter. Criteria: LabCorp Variant Classification Summary - May 2015. Collection method: clinical testing. Allele origin: germline.
Comment: Variant summary: PEX10 c.600+1G>A is located in a canonical splice-site and is predicted to affect mRNA splicing resulting in a significantly altered protein due to either exon skipping, shortening, or inclusion of intronic material. Several computational tools predict a significant impact on normal splicing: Four predict that the variant abolishes a 5 prime splicing donor site. At least one publication reports experimental evidence that this variant affects mRNA splicing (Warren_1998). The variant allele was found at a frequency of 2.4e-05 in 248440 control chromosomes (gnomAD). c.600+1G>A has been reported in the literature in at least one individual affected with Zellweger Syndrome (Warren_1998, homozygous mutation) . These data indicate that the variant may be associated with disease. Sveral publications report experimental evidence evaluating an impact on protein function. The most pronounced variant effect results in <10% of normal activity (Warren_1998, Steinberg_2009). Four clinical diagnostic laboratories have submitted clinical-significance assessments for this variant to ClinVar after 2014 without evidence for independent evaluation. All laboratories classified the variant as pathogenic. Based on the evidence outlined above, the variant was classified as pathogenic.

GeneDx
Classification: Pathogenic. Last evaluated: 2021-06-21. Review status: criteria provided, single submitter. Criteria: GeneDx Variant Classification Process June 2021. Collection method: clinical testing. Allele origin: germline. Affected: yes.
Comment: Published functional studies demonstrate a damaging effect (lack of RNA activity and lack of matrix protein import into the cell) (Warren et al., 1998); Canonical splice site variant predicted to result in a null allele in a gene for which loss-of-function is a known mechanism of disease; Not observed at a significant frequency in large population cohorts (Lek et al., 2016); This variant is associated with the following publications: (PMID: 21031596, 10862081, 19127411, 25525159, 27535533, 9683594, 31589614)

Juno Genomics, Hangzhou Juno Genomics, Inc
Classification: Pathogenic for Peroxisome biogenesis disorder 6A (Zellweger); Peroxisome biogenesis disorder 6B. Review status: criteria provided, single submitter. Criteria: ACMG Guidelines, 2015. Collection method: clinical testing. Allele origin: germline.
Comment: Absent from controls (or at extremely low frequency if recessive) in Genome Aggregation Database.;Null variant in a gene where loss of function (LOF) is a known mechanism of disease.;For recessive disorders, detected in trans with a pathogenic variant.;Patient's phenotype or family history is highly specific for a disease with a single genetic etiology.

Counsyl
Classification: Pathogenic for Peroxisome biogenesis disorder 6B. Last evaluated: 2017-03-10. Review status: no assertion criteria provided. Collection method: clinical testing. Allele origin: unknown. Not counted in ClinVar's aggregate classification.

OMIM
Classification: Pathogenic for PEROXISOME BIOGENESIS DISORDER 6A (ZELLWEGER). Last evaluated: 1998-08-01. Review status: no assertion criteria provided. Collection method: literature only. Allele origin: germline. Not counted in ClinVar's aggregate classification.

Dr. Peter K. Rogan Lab, Western University
No classification provided (evidence only). Condition: Lymphoma. Review status: no classification provided. Collection method: in vitro. Allele origin: not applicable. Functional consequence: skipped exon, retained intron. Not counted in ClinVar's aggregate classification.

Literature cited by the submitters: PubMed 21031596 (cited by 3 submitters); PubMed 9683594 (cited by 4 submitters); PubMed 19127411 (cited by Women's Health and Genetics/Laboratory Corporation of America, LabCorp); PubMed 30640048 (cited by Women's Health and Genetics/Laboratory Corporation of America, LabCorp); PubMed 25525159 (cited by Counsyl).

NM_002617.4(PEX10):c.600+1G>A

Gene: PEX10 (peroxisomal biogenesis factor 10; minus strand). Cytogenetic location: 1p36.32.
Variant type: single nucleotide variant.
Coding change: c.600+1G>A on transcript NM_002617.4 (MANE Select); the canonical splice donor site of the intron after coding-DNA position 600, G replaced by A.
Molecular consequence: splice donor variant.
Genome position (GRCh38, 1-based): chr1:2,408,451, C>T on the plus strand (G>A on the coding strand, the complement: PEX10 is on the minus strand). VCF-style: chr1-2408451-C-T. GRCh37 (hg19) VCF-style: chr1-2339890-C-T.
Other names: IVS, G-A, +1; c.168+1G>A (NM_001374427.1, NM_001374426.1); c.600+1G>A (NM_001374425.1, NM_153818.2).
Identifiers: ClinVar variation 6770 (VCV000006770.25), dbSNP rs267608183, ClinGen allele CA118503.